The following is an entry in ClinVar:

NM_015488.5(PNKD):c.243C>G (p.Ser81Arg)

Genes: CATIP-AS2 (CATIP antisense RNA 2; minus strand), PNKD (PNKD metallo-beta-lactamase domain containing; plus strand). Cytogenetic location: 2q35.
Variant type: single nucleotide variant.
Coding change: c.243C>G on transcript NM_015488.5 (MANE Select); coding-DNA position 243, C replaced by G.
Protein change: p.Ser81Arg; replaces serine 81 with arginine.
Molecular consequence: missense variant.
Genome position (GRCh38, 1-based): chr2:218,339,789, C>G. VCF-style: chr2-218339789-C-G. GRCh37 (hg19) VCF-style: chr2-219204512-C-G.
Other names: c.171C>G, p.Ser57Arg (NM_022572.5); short protein forms S57R, S81R.
Identifiers: ClinVar variation 968369 (VCV000968369.8), dbSNP rs540125259, ClinGen allele CA2103866.

ClinVar aggregate classification (germline): Uncertain significance. Review status: criteria provided, multiple submitters, no conflicts (2 of 4 stars). 2 submissions from 2 submitters: Uncertain significance (2). Last evaluated 2024-01-17.

Conditions:
Inborn genetic diseases. Identifiers: MedGen C0950123, MeSH D030342.
Paroxysmal nonkinesigenic dyskinesia. Also called: Paroxysmal non-kinesigenic dyskinesia. Identifiers: Orphanet 98810, MedGen C1869117, MONDO:0700088.

Allele frequency attached by ClinVar (database versions not stated): gnomAD below 0.00001 and 0.00001; gnomAD exomes 0.00003 and 0.00004; ExAC 0.00007; 1000 Genomes Project 30x 0.00016; 1000 Genomes Project 0.00020.
gnomAD v4.1: 42 of 1,609,832 alleles (0.0026%); highest among the groups gnomAD compares: South Asian, 0.04%; no homozygotes.

Submissions (2):

Labcorp Genetics (formerly Invitae), Labcorp
Classification: Uncertain significance for Paroxysmal nonkinesigenic dyskinesia. Last evaluated: 2024-01-17. Review status: criteria provided, single submitter. Criteria: Invitae Variant Classification Sherloc (09022015). Collection method: clinical testing. Allele origin: germline.
Comment: This sequence change replaces serine, which is neutral and polar, with arginine, which is basic and polar, at codon 81 of the PNKD protein (p.Ser81Arg). This variant is present in population databases (rs540125259, gnomAD 0.03%). This variant has not been reported in the literature in individuals affected with PNKD-related conditions. ClinVar contains an entry for this variant (Variation ID: 968369). An algorithm developed to predict the effect of missense changes on protein structure and function (PolyPhen-2) suggests that this variant is likely to be tolerated. In summary, the available evidence is currently insufficient to determine the role of this variant in disease. Therefore, it has been classified as a Variant of Uncertain Significance.

Ambry Genetics
Classification: Uncertain significance for Inborn genetic diseases. Last evaluated: 2023-08-22. Review status: criteria provided, single submitter. Criteria: Ambry Variant Classification Scheme 2023. Collection method: clinical testing. Allele origin: germline.